The following is an entry in ClinVar:

ClinVar aggregate classification (germline): Uncertain significance. Review status: criteria provided, multiple submitters, no conflicts (2 of 4 stars). 4 submissions from 4 submitters: Uncertain significance (4). Last evaluated 2026-01-12.

Conditions:
Loeys-Dietz syndrome 2 (LDS2). Also called: TGFBR2-Related Loeys-Dietz Syndrome; AORTIC ANEURYSM, FAMILIAL THORACIC 3; MARFAN SYNDROME, TYPE II; Marfan Syndrome type 2; Marfan like connective tissue disorder; MFS 2. Identifiers: Orphanet 284973, Orphanet 558, MedGen C2674574, MONDO:0012427, OMIM 610168.

Allele frequency attached by ClinVar (database versions not stated): ExAC 0.00001; gnomAD 0.00001 and 0.00002; gnomAD exomes 0.00002; TOPMed 0.00003; ESP Exome Variant Server 0.00008.
gnomAD v4.1: 36 of 1,614,012 alleles (0.0022%); highest among the groups gnomAD compares: Non-Finnish European, 0.0031%; no homozygotes.

Submissions (4):

Labcorp Genetics (formerly Invitae), Labcorp
Classification: Uncertain significance for Loeys-Dietz syndrome 2. Last evaluated: 2026-01-12. Review status: criteria provided, single submitter. Criteria: Invitae Variant Classification Sherloc (09022015). Collection method: clinical testing. Allele origin: germline.
Comment: This sequence change replaces alanine, which is neutral and non-polar, with threonine, which is neutral and polar, at codon 240 of the TMPO protein (p.Ala240Thr). This variant is present in population databases (rs375903462, gnomAD 0.004%). This missense change has been observed in individual(s) with dilated cardiomyopathy (PMID: 36672271). ClinVar contains an entry for this variant (Variation ID: 179035). Invitae Evidence Modeling of protein sequence and biophysical properties (such as structural, functional, and spatial information, amino acid conservation, physicochemical variation, residue mobility, and thermodynamic stability) has been performed for this missense variant. However, the output from this modeling did not meet the statistical confidence thresholds required to predict the impact of this variant on TMPO protein function. Experimental studies have shown that this missense change affects TMPO function (PMID: 36672271). In summary, the available evidence is currently insufficient to determine the role of this variant in disease. Therefore, it has been classified as a Variant of Uncertain Significance.

GeneDx
Classification: Uncertain significance. Last evaluated: 2024-10-17. Review status: criteria provided, single submitter. Criteria: GeneDx Variant Classification Process June 2021. Collection method: clinical testing. Allele origin: germline. Affected: yes.
Comment: Not observed at significant frequency in large population cohorts (gnomAD); Functional studies in HEK293 cells suggest that p.(A240T) is not a disease-causing (PMID: 36672271); In silico analysis indicates that this missense variant does not alter protein structure/function; Has been reported as a maternally inherited variant in two males with dilated cardiomyopathy (PMID: 36672271); of note their mother was asymptomatic; This variant is associated with the following publications: (PMID: 36672271)

Ambry Genetics
Classification: Uncertain significance. Last evaluated: 2024-02-25. Review status: criteria provided, single submitter. Criteria: Ambry Variant Classification Scheme 2023. Collection method: clinical testing. Allele origin: germline.
Comment: The p.A240T variant (also known as c.718G>A), located in coding exon 4 of the TMPO gene, results from a G to A substitution at nucleotide position 718. The alanine at codon 240 is replaced by threonine, an amino acid with similar properties. This amino acid position is conserved. In addition, this alteration is predicted to be tolerated by in silico analysis. Since supporting evidence is limited at this time, the clinical significance of this alteration remains unclear.

Laboratory for Molecular Medicine, Mass General Brigham Personalized Medicine
Classification: Uncertain significance. Last evaluated: 2014-07-10. Review status: criteria provided, single submitter. Criteria: LMM Criteria. Collection method: clinical testing. Allele origin: germline. Observed: 1 variant allele.
Comment: The Ala240Thr variant in TMPO has not been previously reported in individuals wi th cardiomyopathy, but has been identified in 1/8600 of European American chromo somes by the NHLBI Exome Sequencing Project (dbSNP rs375903462). Computational prediction tools and conservation analysis do not provide strong support for or against an impact to the protein. In summary, the clinical significance of the Ala240Thr variant is uncertain.

Literature cited by the submitters: PubMed 36672271 (cited by Labcorp Genetics (formerly Invitae), Labcorp).

NM_001032283.3(TMPO):c.565+1137G>A

Gene: TMPO (thymopoietin; plus strand). Cytogenetic location: 12q23.1.
Variant type: single nucleotide variant.
Coding change: c.565+1137G>A on transcript NM_001032283.3 (MANE Select); 1137 bases into the intron after coding-DNA position 565, G replaced by A.
Molecular consequence: intron variant. On other transcripts: missense variant (1).
Genome position (GRCh38, 1-based): chr12:98,532,975, G>A. VCF-style: chr12-98532975-G-A. GRCh37 (hg19) VCF-style: chr12-98926753-G-A.
Other names: c.718G>A, p.Ala240Thr (NM_003276.2); c.565+1137G>A (NM_001307975.2, NM_001032284.3); short protein forms A240T.
Identifiers: ClinVar variation 179035 (VCV000179035.19), dbSNP rs375903462, ClinGen allele CA183573.